The following is an entry in ClinVar:

ClinVar aggregate classification (germline): Uncertain significance (1 of 4 stars; one submission).

Conditions:
Niemann-Pick disease, type B. Also called: Chronic Visceral ASMD (Niemann-Pick Disease Type B; NPD-B). Identifiers: Orphanet 77293, MedGen C0268243, MONDO:0011871, OMIM 607616. Disease mechanism: loss of function.
Niemann-Pick disease, type A. Also called: SPHINGOMYELIN LIPIDOSIS; SPHINGOMYELINASE DEFICIENCY; Infantile Neurovisceral ASMD (Niemann-Pick Disease Type A; NPD-A). Identifiers: Orphanet 77292, MedGen C0268242, MONDO:0009756, OMIM 257200. Disease mechanism: loss of function.

Submission:

Labcorp Genetics (formerly Invitae), Labcorp
Classification: Uncertain significance for Niemann-Pick disease, type B; Niemann-Pick disease, type A. Last evaluated: 2024-06-27. Review status: criteria provided, single submitter. Criteria: Invitae Variant Classification Sherloc (09022015). Collection method: clinical testing. Allele origin: germline.
Comment: This sequence change replaces glycine, which is neutral and non-polar, with serine, which is neutral and polar, at codon 34 of the SMPD1 protein (p.Gly34Ser). The frequency data for this variant in the population databases is considered unreliable, as metrics indicate poor data quality at this position in the gnomAD database. This variant has not been reported in the literature in individuals affected with SMPD1-related conditions. Advanced modeling of protein sequence and biophysical properties (such as structural, functional, and spatial information, amino acid conservation, physicochemical variation, residue mobility, and thermodynamic stability) performed at Invitae indicates that this missense variant is not expected to disrupt SMPD1 protein function with a negative predictive value of 95%. In summary, the available evidence is currently insufficient to determine the role of this variant in disease. Therefore, it has been classified as a Variant of Uncertain Significance.

NM_000543.5(SMPD1):c.100G>A (p.Gly34Ser)

Gene: SMPD1 (sphingomyelin phosphodiesterase 1; plus strand). Cytogenetic location: 11p15.4.
Variant type: single nucleotide variant.
Coding change: c.100G>A on transcript NM_000543.5 (MANE Select); coding-DNA position 100, G replaced by A.
Protein change: p.Gly34Ser; replaces glycine 34 with serine.
Molecular consequence: missense variant. On other transcripts: 5 prime UTR variant (1), non-coding transcript variant (2).
Genome position (GRCh38, 1-based): chr11:6,390,698, G>A. VCF-style: chr11-6390698-G-A. GRCh37 (hg19) VCF-style: chr11-6411928-G-A.
Other names: c.100G>A, p.Gly34Ser (NM_001007593.3, NM_001318087.2, NM_001365135.2); c.-862G>A (NM_001318088.2); short protein forms G34S.
Identifiers: ClinVar variation 3762064 (VCV003762064.1).